The following is an entry in ClinVar:

NM_001369.3(DNAH5):c.2872T>A (p.Leu958Ile)

Genes: DNAH5 (dynein axonemal heavy chain 5; minus strand), DNAH5-AS1 (DNAH5 antisense RNA 1; plus strand). Cytogenetic location: 5p15.2.
Variant type: single nucleotide variant.
Coding change: c.2872T>A on transcript NM_001369.3 (MANE Select); coding-DNA position 2872, T replaced by A.
Protein change: p.Leu958Ile; replaces leucine 958 with isoleucine.
Molecular consequence: missense variant.
Genome position (GRCh38, 1-based): chr5:13,885,100, A>T on the plus strand (T>A on the coding strand, the complement: DNAH5 is on the minus strand). VCF-style: chr5-13885100-A-T. GRCh37 (hg19) VCF-style: chr5-13885209-A-T.
Other names: short protein forms L958I.
Identifiers: ClinVar variation 4842901 (VCV004842901.1).

ClinVar aggregate classification (germline): Uncertain significance (1 of 4 stars; one submission).

Conditions:
Primary ciliary dyskinesia. Also called: Ciliary dyskinesia. Identifiers: Orphanet 244, MedGen C0008780, MONDO:0016575, HP:0012265.

gnomAD v4.1: 1 of 1,614,098 alleles (0.000062%); highest among the groups gnomAD compares: Non-Finnish European, 0.000085%; no homozygotes.

Submission:

Ambry Genetics
Classification: Uncertain significance for Primary ciliary dyskinesia. Last evaluated: 2025-12-19. Review status: criteria provided, single submitter. Criteria: Ambry Variant Classification Scheme 2023. Collection method: clinical testing. Allele origin: germline.
Comment: The p.L958I variant (also known as c.2872T>A), located in coding exon 19 of the DNAH5 gene, results from a T to A substitution at nucleotide position 2872. The leucine at codon 958 is replaced by isoleucine, an amino acid with highly similar properties. This amino acid position is conserved. In addition, this alteration is predicted to be tolerated by in silico analysis. Based on the available evidence, the clinical significance of this variant remains unclear.